The following is an entry in ClinVar:

NM_000081.4(LYST):c.1664A>C (p.His555Pro)

Gene: LYST (lysosomal trafficking regulator; minus strand). Cytogenetic location: 1q42.3.
Variant type: single nucleotide variant.
Coding change: c.1664A>C on transcript NM_000081.4 (MANE Select); coding-DNA position 1664, A replaced by C.
Protein change: p.His555Pro; replaces histidine 555 with proline.
Molecular consequence: missense variant.
Genome position (GRCh38, 1-based): chr1:235,809,154, T>G on the plus strand (A>C on the coding strand, the complement: LYST is on the minus strand). VCF-style: chr1-235809154-T-G. GRCh37 (hg19) VCF-style: chr1-235972454-T-G.
Other names: c.1664A>C, p.His555Pro (NM_001301365.1); short protein forms H555P.
Identifiers: ClinVar variation 572466 (VCV000572466.16), dbSNP rs201106245, ClinGen allele CA1467429.

ClinVar aggregate classification (germline): Conflicting classifications of pathogenicity. Review status: criteria provided, conflicting classifications (1 of 4 stars). 6 submissions from 6 submitters: Uncertain significance (3); Likely benign (2). 1 of the submissions does not count toward it. Last evaluated 2024-11-06.

Conditions:
LYST-related disorder. Also called: LYST-related condition.
Chédiak-Higashi syndrome (CHS). Also called: Chediak-Higashi Syndrome. Identifiers: Orphanet 167, MedGen C0007965, MONDO:0008963, OMIM 214500.

Allele frequency attached by ClinVar (database versions not stated): gnomAD 0.00012; 1000 Genomes Project 30x 0.00016; 1000 Genomes Project 0.00020; ExAC 0.00020; TOPMed 0.00034; gnomAD exomes 0.00005.
gnomAD v4.1: 98 of 1,614,042 alleles (0.0061%); highest among the groups gnomAD compares: Admixed American, 0.14%; no homozygotes.

Submissions (6):

Blueprint Genetics
Classification: Uncertain significance. Last evaluated: 2024-11-06. Review status: criteria provided, single submitter. Criteria: ACMG Guidelines, 2015. Collection method: clinical testing. Allele origin: germline.

Women's Health and Genetics/Laboratory Corporation of America, LabCorp
Classification: Likely benign. Last evaluated: 2024-06-06. Review status: criteria provided, single submitter. Criteria: LabCorp Variant Classification Summary - May 2015. Collection method: clinical testing. Allele origin: germline.
Comment: Variant summary: LYST c.1664A>C (p.His555Pro) results in a non-conservative amino acid change in the encoded protein sequence. Four of five in-silico tools predict a damaging effect of the variant on protein function. The variant allele was found at a frequency of 0.00027 in 250822 control chromosomes, predominantly at a frequency of 0.0015 within the Latino subpopulation in the gnomAD database. The observed variant frequency within Latino control individuals in the gnomAD database is approximately 1.3 fold of the estimated maximal expected allele frequency for a pathogenic variant in LYST causing Chediak-Higashi Syndrome phenotype (0.0011). To our knowledge, no occurrence of c.1664A>C in individuals affected with Chediak-Higashi Syndrome and no experimental evidence demonstrating its impact on protein function have been reported. ClinVar contains an entry for this variant (Variation ID: 572466). Based on the evidence outlined above, the variant was classified as likely benign.

Labcorp Genetics (formerly Invitae), Labcorp
Classification: Uncertain significance for Chédiak-Higashi syndrome. Last evaluated: 2022-10-25. Review status: criteria provided, single submitter. Criteria: Invitae Variant Classification Sherloc (09022015). Collection method: clinical testing. Allele origin: germline.
Comment: This sequence change replaces histidine, which is basic and polar, with proline, which is neutral and non-polar, at codon 555 of the LYST protein (p.His555Pro). This variant is present in population databases (rs201106245, gnomAD 0.2%). This missense change has been observed in individual(s) with systemic juvenile idiopathic arthritis without macrophage activation syndrome (PMID: 25047945). ClinVar contains an entry for this variant (Variation ID: 572466). Advanced modeling of protein sequence and biophysical properties (such as structural, functional, and spatial information, amino acid conservation, physicochemical variation, residue mobility, and thermodynamic stability) performed at Invitae indicates that this missense variant is expected to disrupt LYST protein function. In summary, the available evidence is currently insufficient to determine the role of this variant in disease. Therefore, it has been classified as a Variant of Uncertain Significance.

Revvity Omics, Revvity
Classification: Uncertain significance for Chédiak-Higashi syndrome. Last evaluated: 2019-05-09. Review status: criteria provided, single submitter. Criteria: ACMG Guidelines, 2015. Collection method: clinical testing. Allele origin: germline.

Illumina Laboratory Services, Illumina
Classification: Likely benign for Chédiak-Higashi syndrome. Last evaluated: 2017-04-28. Review status: criteria provided, single submitter. Criteria: ICSL Variant Classification Criteria 13 December 2019. Collection method: clinical testing. Allele origin: germline.
Comment: This variant was observed as part of a predisposition screen in an ostensibly healthy population. A literature search was performed for the gene, cDNA change, and amino acid change (where applicable). Publications were found based on this search. The evidence from the literature, in combination with allele frequency data from public databases where available, was sufficient to determine this variant is unlikely to cause disease. Therefore, this variant is classified as likely benign.

PreventionGenetics, part of Exact Sciences
Classification: Likely benign for LYST-related condition. Last evaluated: 2024-08-15. Review status: no assertion criteria provided. Collection method: clinical testing. Allele origin: germline. Not counted in ClinVar's aggregate classification.
Comment: This variant is classified as likely benign based on ACMG/AMP sequence variant interpretation guidelines (Richards et al. 2015 PMID: 25741868, with internal and published modifications).

Literature cited by the submitters: PubMed 25047945 (cited by Labcorp Genetics (formerly Invitae), Labcorp and Illumina Laboratory Services, Illumina).